The following is an entry in ClinVar:

ClinVar aggregate classification (germline): Pathogenic (1 of 4 stars; one submission).

Conditions:
Hereditary cancer-predisposing syndrome. Also called: Neoplastic Syndromes, Hereditary; Tumor predisposition; Hereditary neoplastic syndrome; Hereditary Cancer Syndrome. Identifiers: Orphanet 140162, MedGen C0027672, MeSH D009386, MONDO:0015356.

Submission:

Ambry Genetics
Classification: Pathogenic for Hereditary cancer-predisposing syndrome. Last evaluated: 2018-10-31. Review status: criteria provided, single submitter. Criteria: Ambry Variant Classification Scheme 2023. Collection method: clinical testing. Allele origin: germline.
Comment: The c.7875dupA pathogenic mutation, located in coding exon 16 of the BRCA2 gene, results from a duplication of A at nucleotide position 7875, causing a translational frameshift with a predicted alternate stop codon (p.W2626Mfs*15). This alteration is expected to result in loss of function by premature protein truncation or nonsense-mediated mRNA decay. As such, this alteration is interpreted as a disease-causing mutation.

NM_000059.4(BRCA2):c.7875dup (p.Trp2626fs)

Gene: BRCA2 (BRCA2 DNA repair associated; plus strand). Cytogenetic location: 13q13.1.
Variant type: Duplication.
Coding change: c.7875dup on transcript NM_000059.4 (MANE Select); coding-DNA position 7875, one base duplicated (A; older notation c.7875dupA).
Protein change: p.Trp2626fs; shifts the reading frame from tryptophan 2626.
Molecular consequence: frameshift variant.
Genome position (GRCh38, 1-based): chr13:32,362,592, A duplicated. VCF-style (leftmost placement, unchanged base first): chr13-32362591-G-GA. GRCh37 (hg19) VCF-style: chr13-32936728-G-GA.
Other names: short protein forms W2626fs.
Identifiers: ClinVar variation 827301 (VCV000827301.4), dbSNP rs1593924059, ClinGen allele CA915946881.
Genomic context (GRCh38, chr13:32,362,591, plus strand): 5'-GTGACACTCCAGGTGTGGATCCAAAGCTTATTTCTAGAATTTGGGTTTATAATCACTATA[G>GA]ATGGATCATATGGAAACTGGCAGCTATGGAATGTGCCTTTCCTAAGGAATTTGCTAATAG-3'